The following is an entry in ClinVar:

ClinVar aggregate classification (germline): Uncertain significance. Review status: criteria provided, multiple submitters, no conflicts (2 of 4 stars). 2 submissions from 2 submitters: Uncertain significance (2). Last evaluated 2024-08-29.

Conditions:
Hereditary cancer-predisposing syndrome. Also called: Hereditary Cancer Syndrome; Neoplastic Syndromes, Hereditary; Tumor predisposition; Hereditary neoplastic syndrome. Identifiers: Orphanet 140162, MedGen C0027672, MeSH D009386, MONDO:0015356.
Ataxia-telangiectasia syndrome (AT). Also called: Ataxia-telangiectasia, complementation group D; AT, COMPLEMENTATION GROUP C; Ataxia-telangiectasia; ATAXIA-TELANGIECTASIA, COMPLEMENTATION GROUP A; ATAXIA-TELANGIECTASIA, FRESNO VARIANT; LOUIS-BAR SYNDROME. Identifiers: Orphanet 100, MedGen C0004135, MONDO:0008840, OMIM 208900.

Allele frequency attached by ClinVar (database versions not stated): gnomAD exomes below 0.00001.
gnomAD v4.1: 1 of 1,553,728 alleles (0.000064%); highest among the groups gnomAD compares: Non-Finnish European, 0.000089%; no homozygotes.

Submissions (2):

Labcorp Genetics (formerly Invitae), Labcorp
Classification: Uncertain significance for Ataxia-telangiectasia syndrome. Last evaluated: 2024-08-29. Review status: criteria provided, single submitter. Criteria: Invitae Variant Classification Sherloc (09022015). Collection method: clinical testing. Allele origin: germline.
Comment: This sequence change replaces threonine, which is neutral and polar, with isoleucine, which is neutral and non-polar, at codon 1227 of the ATM protein (p.Thr1227Ile). This variant is present in population databases (no rsID available, gnomAD 0.0009%). This variant has not been reported in the literature in individuals affected with ATM-related conditions. ClinVar contains an entry for this variant (Variation ID: 630422). An algorithm developed to predict the effect of missense changes on protein structure and function outputs the following: PolyPhen-2: "Benign". The isoleucine amino acid residue is found in multiple mammalian species, which suggests that this missense change does not adversely affect protein function. In summary, the available evidence is currently insufficient to determine the role of this variant in disease. Therefore, it has been classified as a Variant of Uncertain Significance.

Color Diagnostics, LLC DBA Color Health
Classification: Uncertain significance for Hereditary cancer-predisposing syndrome. Last evaluated: 2023-12-05. Review status: criteria provided, single submitter. Criteria: ACMG Guidelines, 2015. Collection method: clinical testing. Allele origin: germline.
Comment: This missense variant replaces threonine with isoleucine at codon 1227 of the ATM protein. Computational prediction suggests that this variant may not impact protein structure and function (internally defined REVEL score threshold <= 0.5, PMID: 27666373). To our knowledge, functional studies have not been reported for this variant. This variant has not been reported in individuals affected with ATM-related disorders in the literature. This variant has been identified in 1/249524 chromosomes in the general population by the Genome Aggregation Database (gnomAD). The available evidence is insufficient to determine the role of this variant in disease conclusively. Therefore, this variant is classified as a Variant of Uncertain Significance.

NM_000051.4(ATM):c.3680C>T (p.Thr1227Ile)

Gene: ATM (ATM serine/threonine kinase; plus strand). Cytogenetic location: 11q22.3.
Variant type: single nucleotide variant.
Coding change: c.3680C>T on transcript NM_000051.4 (MANE Select); coding-DNA position 3680, C replaced by T.
Protein change: p.Thr1227Ile; replaces threonine 1227 with isoleucine.
Molecular consequence: missense variant.
Genome position (GRCh38, 1-based): chr11:108,282,813, C>T. VCF-style: chr11-108282813-C-T. GRCh37 (hg19) VCF-style: chr11-108153540-C-T.
Other names: c.3680C>T, p.Thr1227Ile (NM_001351834.2); short protein forms T1227I.
Identifiers: ClinVar variation 630422 (VCV000630422.6), dbSNP rs1229454563, ClinGen allele CA382523324.